The following is an entry in ClinVar:

ClinVar aggregate classification (germline): Likely pathogenic (1 of 4 stars; one submission).

Conditions:
ERCC2-related disorder. Also called: ERCC2-related conditions; ERCC2-related condition; ERCC2-related disorders. Identifiers: MedGen CN239291.

Submission:

Division of Genetic & Genomic Pathology, Hong Kong Children's Hospital
Classification: Likely pathogenic for ERCC2-related disorder. Last evaluated: 2025-04-08. Review status: criteria provided, single submitter. Criteria: ACMG Guidelines, 2015. Collection method: clinical testing. Allele origin: germline. Affected: yes.
Comment: ERCC2 c.2191-18_2213del is a 41-base pair deletion variant spanning the junction of intron 22 and exon 23 (last exon) of the gene. It was not observed among population controls (gnomAD v4.1.0). An RNA study using patient derived fibroblasts showed that this variant results in abnormally spliced RNA, affecting the last 30 amino acids from the C-terminus of ERCC2 protein (PMID: 19085937). This variant has been reported in trans with known ERCC2 pathogenic variants in two patients with trichothiodystrophy (PMID: 19085937, 33711971). Overall, the ERCC2 c.2191-18_2213del variant is classified as likely pathogenic. This variant is in trans with another missense likely pathogenic variant.

Literature cited by the submitters: PubMed 19085937; PubMed 33711971.

NM_000400.4(ERCC2):c.2191-18_2213del

Gene: ERCC2 (ERCC excision repair 2, TFIIH core complex helicase subunit; minus strand). Cytogenetic location: 19q13.32.
Variant type: Deletion.
Coding change: c.2191-18_2213del on transcript NM_000400.4 (MANE Select); 18 bases into the intron before coding-DNA position 2191 through coding-DNA position 2213, 41 bases deleted.
Molecular consequence: splice acceptor variant.
Genome position (GRCh38, 1-based): chr19:45,351,699-45,351,739, 41 bases deleted; deleting any 41 consecutive bases within chr19:45,351,699-45,351,744 gives the same sequence; the c. name uses the placement nearest the transcript's 3' end. GRCh37 (hg19): chr19:45,854,962-45,855,002.
Other names: c.2068-18_2090del (NM_001440357.1); c.2113-18_2135del (NM_001440356.1); c.2119-18_2141del (NM_001440355.1).
Identifiers: ClinVar variation 5020099 (VCV005020099.1).
Genomic context (GRCh38, chr19:45,351,698, plus strand): 5'-CTGAGCAATCTGCTCTATCCTCTTCAGCGTCTCCTCTGATTCTAGCTGCTCCAGGCTGAG[CAGGGACAGGCCCAGCTGATCCTCCTGCAGAGAACAGAGGAA>C]AGGGAGAGGGGGGCACTGTTGGGCAGGGGCCCAGGCAGCTGCTGCACTTCCCCAACCACC-3'